The following is an entry in ClinVar:

ClinVar aggregate classification (germline): Uncertain significance (1 of 4 stars; one submission).

Conditions:
Familial adenomatous polyposis 1 (FAP1). Also called: FAMILIAL ADENOMATOUS POLYPOSIS 1, ATTENUATED; POLYPOSIS, ADENOMATOUS INTESTINAL. Identifiers: MedGen C2713442, MONDO:0021056, OMIM 175100. Disease mechanism: loss of function.

Submission:

Labcorp Genetics (formerly Invitae), Labcorp
Classification: Uncertain significance for Familial adenomatous polyposis 1. Last evaluated: 2022-02-21. Review status: criteria provided, single submitter. Criteria: Invitae Variant Classification Sherloc (09022015). Collection method: clinical testing. Allele origin: germline.
Comment: In summary, the available evidence is currently insufficient to determine the role of this variant in disease. Therefore, it has been classified as a Variant of Uncertain Significance. Algorithms developed to predict the effect of missense changes on protein structure and function are either unavailable or do not agree on the potential impact of this missense change (SIFT: "Deleterious"; PolyPhen-2: "Possibly Damaging"; Align-GVGD: "Class C0"). This variant has not been reported in the literature in individuals affected with APC-related conditions. This variant is not present in population databases (gnomAD no frequency). This sequence change replaces serine, which is neutral and polar, with threonine, which is neutral and polar, at codon 343 of the APC protein (p.Ser343Thr).

NM_000038.6(APC):c.1028G>C (p.Ser343Thr)

Gene: APC (APC regulator of Wnt signaling pathway; plus strand). Cytogenetic location: 5q22.2.
Variant type: single nucleotide variant.
Coding change: c.1028G>C on transcript NM_000038.6 (MANE Select); coding-DNA position 1028, G replaced by C.
Protein change: p.Ser343Thr; replaces serine 343 with threonine.
Molecular consequence: missense variant. On other transcripts: intron variant (4).
Genome position (GRCh38, 1-based): chr5:112,819,060, G>C. VCF-style: chr5-112819060-G-C. GRCh37 (hg19) VCF-style: chr5-112154757-G-C.
Other names: c.1028G>C, p.Ser343Thr (NM_001127510.3, NM_001354895.2, NM_001354896.2 and 4 more transcripts); c.974G>C, p.Ser325Thr (NM_001127511.3); c.1058G>C, p.Ser353Thr (NM_001354897.2, NM_001407446.1); c.953G>C, p.Ser318Thr (NM_001354898.2, NM_001407451.1); c.944G>C, p.Ser315Thr (NM_001354899.2, NM_001407452.1); c.851G>C, p.Ser284Thr (NM_001354900.2, NM_001354901.2, NM_001407453.1); c.179G>C, p.Ser60Thr (NM_001354906.2, NM_001407470.1); c.964-209G>C (NM_001354902.2); and 3 more; short protein forms S325T, S318T, S353T, S284T, S315T, S343T, S60T.
Identifiers: ClinVar variation 2100928 (VCV002100928.4), dbSNP rs2149780053, ClinGen allele CA16023562.
Genomic context (GRCh38, chr5:112,819,060, plus strand): 5'-GTACTCATGATAAGGATGATATGTCGCGAACTTTGCTAGCTATGTCTAGCTCCCAAGACA[G>C]CTGTATATCCATGCGACAGTCTGGATGTCTTCCTCTCCTCATCCAGCTTTTACATGGCAA-3'
Protein context (NP_000029.2, residues 333-353): TLLAMSSSQD[Ser343Thr]CISMRQSGCL